The following is an entry in ClinVar:

NM_000384.3(APOB):c.1748G>T (p.Trp583Leu)

Gene: APOB (apolipoprotein B; minus strand). Cytogenetic location: 2p24.1.
Variant type: single nucleotide variant.
Coding change: c.1748G>T on transcript NM_000384.3 (MANE Select); coding-DNA position 1748, G replaced by T.
Protein change: p.Trp583Leu; replaces tryptophan 583 with leucine.
Molecular consequence: missense variant.
Genome position (GRCh38, 1-based): chr2:21,028,408, C>A on the plus strand (G>T on the coding strand, the complement: APOB is on the minus strand). VCF-style: chr2-21028408-C-A. GRCh37 (hg19) VCF-style: chr2-21251280-C-A.
Other names: short protein forms W583L.
Identifiers: ClinVar variation 3762121 (VCV003762121.2).
Genomic context (GRCh38, chr2:21,028,408, plus strand): 5'-GAGTTCAAGATATTGGCAATATGGGAAGCCACAAAGTTCTTCACTTGCTCATTCTGTTCC[C>A]ATGGTAGAATTTGGACAATTTTGTTAATATCTGCCTGTGAAGGACTCCTCATCAACATAA-3'
Protein context (NP_000375.3, residues 573-593): DINKIVQILP[Trp583Leu]EQNEQVKNFV

ClinVar aggregate classification (germline): Uncertain significance (1 of 4 stars; one submission).

Conditions:
Familial hypobetalipoproteinemia 1. Also called: APOB-Related Familial Hypobetalipoproteinemia; Hypobetalipoproteinemia, normotriglyceridemic; Acanthocytosis with hypobetalipoproteinemia. Identifiers: MedGen C4551990, MONDO:0014252, OMIM 615558.
Hypercholesterolemia, autosomal dominant, type B (FHCL2). Also called: Familial Hypercholesterolemia Type B; APOLIPOPROTEIN B-100, FAMILIAL DEFECTIVE; APOLIPOPROTEIN B-100, FAMILIAL LIGAND-DEFECTIVE; HYPERCHOLESTEROLEMIA, FAMILIAL, DUE TO LIGAND-DEFECTIVE APOLIPOPROTEIN B; Hyperlipoproteinemia Type IIb; Familial hypercholesterolemia 2. Identifiers: MedGen C1704417, MONDO:0007751, OMIM 144010.

gnomAD v4.1: 1 of 1,614,148 alleles (0.000062%); highest among the groups gnomAD compares: East Asian, 0.0022%; no homozygotes.

Submission:

Labcorp Genetics (formerly Invitae), Labcorp
Classification: Uncertain significance for Familial hypobetalipoproteinemia 1; Hypercholesterolemia, autosomal dominant, type B. Last evaluated: 2024-06-28. Review status: criteria provided, single submitter. Criteria: Invitae Variant Classification Sherloc (09022015). Collection method: clinical testing. Allele origin: germline.
Comment: This sequence change replaces tryptophan, which is neutral and slightly polar, with leucine, which is neutral and non-polar, at codon 583 of the APOB protein (p.Trp583Leu). This variant is not present in population databases (gnomAD no frequency). This variant has not been reported in the literature in individuals affected with APOB-related conditions. Advanced modeling of protein sequence and biophysical properties (such as structural, functional, and spatial information, amino acid conservation, physicochemical variation, residue mobility, and thermodynamic stability) performed at Invitae indicates that this missense variant is not expected to disrupt APOB protein function with a negative predictive value of 95%. In summary, the available evidence is currently insufficient to determine the role of this variant in disease. Therefore, it has been classified as a Variant of Uncertain Significance.